The following is an entry in ClinVar:

NM_153704.6(TMEM67):c.588A>T (p.Leu196Phe)

Gene: TMEM67 (transmembrane protein 67; plus strand). Cytogenetic location: 8q22.1.
Variant type: single nucleotide variant.
Coding change: c.588A>T on transcript NM_153704.6 (MANE Select); coding-DNA position 588, A replaced by T.
Protein change: p.Leu196Phe; replaces leucine 196 with phenylalanine.
Molecular consequence: missense variant. On other transcripts: non-coding transcript variant (1).
Genome position (GRCh38, 1-based): chr8:93,765,583, A>T. VCF-style: chr8-93765583-A-T. GRCh37 (hg19) VCF-style: chr8-94777811-A-T.
Other names: c.345A>T, p.Leu115Phe (NM_001142301.1); short protein forms L115F, L196F.
Identifiers: ClinVar variation 1911863 (VCV001911863.6), dbSNP rs777679661, ClinGen allele CA4807717.
Genomic context (GRCh38, chr8:93,765,583, plus strand): 5'-CTTATGCCTTTTCATAAGCTTCTATTTTTTCCCTCATTTATTTATGAAGACAGGGGGATT[A>T]TGTTTCAGCAGCACAGGGAATTTTCCTCTACGTAGAATTTCAGCTGCACGTTATGGAGAA-3'
Protein context (NP_714915.3, residues 186-206): CSEPNILTGG[Leu196Phe]CFSSTGNFPL

ClinVar aggregate classification (germline): Uncertain significance. Review status: criteria provided, multiple submitters, no conflicts (2 of 4 stars). 2 submissions from 2 submitters: Uncertain significance (2). Last evaluated 2025-07-22.

Conditions:
Joubert syndrome. Also called: JOUBERT-BOLTSHAUSER SYNDROME; Familial aplasia of the vermis. Identifiers: Orphanet 475, MedGen C5979921, MONDO:0018772.
Meckel-Gruber syndrome. Also called: DYSENCEPHALIA SPLANCHNOCYSTICA; GRUBER SYNDROME; Dysencephalia splachnocystica. Identifiers: Orphanet 564, MedGen C0265215, MONDO:0018921.
TMEM67-related disorder. Also called: TMEM67-related condition; TMEM67-related disorders. Identifiers: MedGen CN239423.

Allele frequency attached by ClinVar (database versions not stated): ExAC 0.00001; gnomAD 0.00001; TOPMed 0.00001.
gnomAD v4.1: 4 of 1,612,724 alleles (0.00025%); highest among the groups gnomAD compares: Non-Finnish European, 0.00034%; no homozygotes.

Submissions (2):

PreventionGenetics, part of Exact Sciences
Classification: Uncertain significance for TMEM67-related condition. Last evaluated: 2025-07-22. Review status: criteria provided, single submitter. Criteria: ACMG Guidelines, 2015. Collection method: clinical testing. Allele origin: germline.
Comment: The TMEM67 c.588A>T variant is predicted to result in the amino acid substitution p.Leu196Phe. To our knowledge, this variant has not been reported in the literature. This variant is reported in 0.00088% of alleles in individuals of European (Non-Finnish) descent in gnomAD. At this time, the clinical significance of this variant is uncertain due to the absence of conclusive functional and genetic evidence.

Labcorp Genetics (formerly Invitae), Labcorp
Classification: Uncertain significance for Joubert syndrome; Meckel-Gruber syndrome. Last evaluated: 2022-07-02. Review status: criteria provided, single submitter. Criteria: Invitae Variant Classification Sherloc (09022015). Collection method: clinical testing. Allele origin: germline.
Comment: In summary, the available evidence is currently insufficient to determine the role of this variant in disease. Therefore, it has been classified as a Variant of Uncertain Significance. Advanced modeling of protein sequence and biophysical properties (such as structural, functional, and spatial information, amino acid conservation, physicochemical variation, residue mobility, and thermodynamic stability) performed at Invitae indicates that this missense variant is expected to disrupt TMEM67 protein function. This variant has not been reported in the literature in individuals affected with TMEM67-related conditions. This variant is present in population databases (rs777679661, gnomAD 0.0009%). This sequence change replaces leucine, which is neutral and non-polar, with phenylalanine, which is neutral and non-polar, at codon 196 of the TMEM67 protein (p.Leu196Phe).